The following is an entry in ClinVar:

NM_001378615.1(CC2D2A):c.245G>A (p.Arg82Gln)

Genes: CC2D2A (coiled-coil and C2 domain containing 2A; plus strand), FBXL5 (F-box and leucine rich repeat protein 5; minus strand). Cytogenetic location: 4p15.32.
Variant type: single nucleotide variant.
Coding change: c.245G>A on transcript NM_001378615.1 (MANE Select); coding-DNA position 245, G replaced by A.
Protein change: p.Arg82Gln; replaces arginine 82 with glutamine.
Molecular consequence: missense variant. On other transcripts: synonymous variant (1).
Genome position (GRCh38, 1-based): chr4:15,480,825, G>A. VCF-style: chr4-15480825-G-A. GRCh37 (hg19) VCF-style: chr4-15482449-G-A.
Other names: c.245G>A, p.Arg82Gln (NM_001080522.2, NM_001164720.3); c.98G>A, p.Arg33Gln (NM_001378617.1); c.351G>A, p.Thr117= (NM_020785.2); short protein forms R82Q, R33Q.
Identifiers: ClinVar variation 1423931 (VCV001423931.5), dbSNP rs527974001, ClinGen allele CA92517401.

ClinVar aggregate classification (germline): Uncertain significance. Review status: criteria provided, multiple submitters, no conflicts (2 of 4 stars). 2 submissions from 2 submitters: Uncertain significance (2). Last evaluated 2024-11-05.

Conditions:
Joubert syndrome. Also called: JOUBERT-BOLTSHAUSER SYNDROME; Familial aplasia of the vermis. Identifiers: Orphanet 475, MedGen C5979921, MONDO:0018772.
Meckel-Gruber syndrome. Also called: DYSENCEPHALIA SPLANCHNOCYSTICA; GRUBER SYNDROME; Dysencephalia splachnocystica. Identifiers: Orphanet 564, MedGen C0265215, MONDO:0018921.

Allele frequency attached by ClinVar (database versions not stated): gnomAD exomes below 0.00001 and 0.00001; TOPMed below 0.00001; gnomAD 0.00002.

Submissions (2):

Labcorp Genetics (formerly Invitae), Labcorp
Classification: Uncertain significance for Joubert syndrome; Meckel-Gruber syndrome. Last evaluated: 2024-11-05. Review status: criteria provided, single submitter. Criteria: Invitae Variant Classification Sherloc (09022015). Collection method: clinical testing. Allele origin: germline.
Comment: This sequence change replaces arginine, which is basic and polar, with glutamine, which is neutral and polar, at codon 82 of the CC2D2A protein (p.Arg82Gln). The frequency data for this variant in the population databases is considered unreliable, as metrics indicate poor data quality at this position in the gnomAD database. This variant has not been reported in the literature in individuals affected with CC2D2A-related conditions. ClinVar contains an entry for this variant (Variation ID: 1423931). Invitae Evidence Modeling of protein sequence and biophysical properties (such as structural, functional, and spatial information, amino acid conservation, physicochemical variation, residue mobility, and thermodynamic stability) indicates that this missense variant is not expected to disrupt CC2D2A protein function with a negative predictive value of 80%. In summary, the available evidence is currently insufficient to determine the role of this variant in disease. Therefore, it has been classified as a Variant of Uncertain Significance.

GeneDx
Classification: Uncertain significance. Last evaluated: 2022-10-31. Review status: criteria provided, single submitter. Criteria: GeneDx Variant Classification Process June 2021. Collection method: clinical testing. Allele origin: germline. Affected: yes.
Comment: Not observed at significant frequency in large population cohorts (gnomAD); In silico analysis supports that this missense variant does not alter protein structure/function; Has not been previously published as pathogenic or benign to our knowledge